The following is an entry in ClinVar:

ClinVar aggregate classification (germline): Uncertain significance (1 of 4 stars; one submission).

Submission:

Women's Health and Genetics/Laboratory Corporation of America, LabCorp
Classification: Uncertain significance. Last evaluated: 2026-06-26. Review status: criteria provided, single submitter. Criteria: LabCorp Variant Classification Summary - May 2015. Collection method: clinical testing. Allele origin: germline.
Comment: Variant summary: PCDH19 c.3044T>G (p.Phe1015Cys) results in a non-conservative amino acid change in the encoded protein sequence. Algorithms developed to predict the effect of missense changes on protein structure and function all suggest that this variant is likely to be disruptive. The variant was absent in 181519 control chromosomes. The available data on variant occurrences in the general population are insufficient to allow any conclusion about variant significance. To our knowledge, no occurrence of c.3044T>G in individuals affected with PCDH19-related conditions and no experimental evidence demonstrating its impact on protein function have been reported. No submitters have cited clinical-significance assessments for this variant to ClinVar. Based on the evidence outlined above, the variant was classified as uncertain significance.

NM_001184880.2(PCDH19):c.3044T>G (p.Phe1015Cys)

Gene: PCDH19 (protocadherin 19; minus strand). Cytogenetic location: Xq22.1.
Variant type: single nucleotide variant.
Coding change: c.3044T>G on transcript NM_001184880.2 (MANE Select); coding-DNA position 3044, T replaced by G.
Protein change: p.Phe1015Cys; replaces phenylalanine 1015 with cysteine.
Molecular consequence: missense variant.
Genome position (GRCh38, 1-based): chrX:100,296,680, A>C on the plus strand (T>G on the coding strand, the complement: PCDH19 is on the minus strand). VCF-style: chrX-100296680-A-C. GRCh37 (hg19) VCF-style: chrX-99551678-A-C.
Other names: c.2903T>G, p.Phe968Cys (NM_001105243.2); c.2900T>G, p.Phe967Cys (NM_020766.3); short protein forms F1015C, F967C, F968C.
Identifiers: ClinVar variation 4887645 (VCV004887645.1).
Genomic context (GRCh38, chrX:100,296,680, plus strand): 5'-CCTTTCAGGGTAGGCCTCTCCTCAGCCGGGTGGTCGCTGACATCTTTCCCAAAGGTTGCG[A>C]AAGTCCGTTTGGTGGGGCCGCAGTCGTCATAAGCCTCGACATCAGCAGCAGTAGCTTCAA-3'
Protein context (NP_001171809.1, residues 1005-1025): YDDCGPTKRT[Phe1015Cys]ATFGKDVSDH